The following is an entry in ClinVar:

NM_031935.3(HMCN1):c.2480G>T (p.Arg827Leu)

Gene: HMCN1 (hemicentin 1; plus strand). Cytogenetic location: 1q31.1.
Variant type: single nucleotide variant.
Coding change: c.2480G>T on transcript NM_031935.3 (MANE Select); coding-DNA position 2480, G replaced by T.
Protein change: p.Arg827Leu; replaces arginine 827 with leucine.
Molecular consequence: missense variant.
Genome position (GRCh38, 1-based): chr1:185,977,895, G>T. VCF-style: chr1-185977895-G-T. GRCh37 (hg19) VCF-style: chr1-185947027-G-T.
Other names: short protein forms R827L.
Identifiers: ClinVar variation 3729067 (VCV003729067.2).
Genomic context (GRCh38, chr1:185,977,895, plus strand): 5'-GCTCAAATGTGACATTACCTTGTTATGTTCAGGGTTATCCAGAACCAACAATCAAATGGC[G>T]AAGATTAGACAACATGCCAATTTTCTCAAGACCTTTTTCAGTTAGTTCCATCAGCCAACT-3'
Protein context (NP_114141.2, residues 817-837): QGYPEPTIKW[Arg827Leu]RLDNMPIFSR

ClinVar aggregate classification (germline): Uncertain significance (1 of 4 stars; one submission).

Submission:

Labcorp Genetics (formerly Invitae), Labcorp
Classification: Uncertain significance. Last evaluated: 2025-01-15. Review status: criteria provided, single submitter. Criteria: Invitae Variant Classification Sherloc (09022015). Collection method: clinical testing. Allele origin: germline.
Comment: This sequence change replaces arginine, which is basic and polar, with leucine, which is neutral and non-polar, at codon 827 of the HMCN1 protein (p.Arg827Leu). This variant is not present in population databases (gnomAD no frequency). This variant has not been reported in the literature in individuals affected with HMCN1-related conditions. An algorithm developed to predict the effect of missense changes on protein structure and function (PolyPhen-2) suggests that this variant is likely to be tolerated. In summary, the available evidence is currently insufficient to determine the role of this variant in disease. Therefore, it has been classified as a Variant of Uncertain Significance.